The following is an entry in ClinVar:

ClinVar aggregate classification (germline): Likely benign (0 of 4 stars; one submission).

Conditions:
PKD1L1-related disorder. Also called: PKD1L1-related condition.

gnomAD v4.1: 1 of 1,613,438 alleles (0.000062%); no homozygotes.

Submission:

PreventionGenetics, part of Exact Sciences
Classification: Likely benign for PKD1L1-related condition. Last evaluated: 2024-06-01. Review status: no assertion criteria provided. Collection method: clinical testing. Allele origin: germline.
Comment: This variant is classified as likely benign based on ACMG/AMP sequence variant interpretation guidelines (Richards et al. 2015 PMID: 25741868, with internal and published modifications).

NM_138295.5(PKD1L1):c.3265+5C>G

Gene: PKD1L1 (polycystin 1 like 1, transient receptor potential channel interacting; minus strand). Cytogenetic location: 7p12.3.
Variant type: single nucleotide variant.
Coding change: c.3265+5C>G on transcript NM_138295.5 (MANE Select); 5 bases into the intron after coding-DNA position 3265, C replaced by G.
Molecular consequence: intron variant.
Genome position (GRCh38, 1-based): chr7:47,884,593, G>C on the plus strand (C>G on the coding strand, the complement: PKD1L1 is on the minus strand). VCF-style: chr7-47884593-G-C. GRCh37 (hg19) VCF-style: chr7-47924191-G-C.
Identifiers: ClinVar variation 3345535 (VCV003345535.1).
Genomic context (GRCh38, chr7:47,884,593, plus strand): 5'-GATTGCAGAAAGGCTGTGGAGGAGAGCTGAGTGGAGAGAGGCAGCAGGCATAGAAGCACA[G>C]TCACCTGGCTGTCTTCCTCCCGATGGTATTGCTTCTTGAATGTCACTGTAATAGGCTTCA-3'